The following is an entry in ClinVar:

ClinVar aggregate classification (germline): Pathogenic. Review status: criteria provided, multiple submitters, no conflicts (2 of 4 stars). 3 submissions from 3 submitters: Pathogenic (3). Last evaluated 2025-11-27.

Conditions:
Hereditary cancer-predisposing syndrome. Also called: Hereditary neoplastic syndrome; Hereditary Cancer Syndrome; Neoplastic Syndromes, Hereditary; Tumor predisposition. Identifiers: Orphanet 140162, MedGen C0027672, MeSH D009386, MONDO:0015356.
Hereditary nonpolyposis colorectal neoplasms. Identifiers: MedGen C0009405, MeSH D003123.
Lynch syndrome 5 (LYNCH5). Also called: Hereditary non-polyposis colorectal cancer, type 5; Colorectal cancer, hereditary nonpolyposis, type 5. Identifiers: Orphanet 144, MedGen C1833477, MONDO:0013710, OMIM 614350. Disease mechanism: loss of function.

Submissions (3):

Labcorp Genetics (formerly Invitae), Labcorp
Classification: Pathogenic for Hereditary nonpolyposis colorectal neoplasms. Last evaluated: 2025-11-27. Review status: criteria provided, single submitter. Criteria: Invitae Variant Classification Sherloc (09022015). Collection method: clinical testing. Allele origin: germline.
Comment: This sequence change creates a premature translational stop signal (p.Ser935*) in the MSH6 gene. It is expected to result in an absent or disrupted protein product. Loss-of-function variants in MSH6 are known to be pathogenic (PMID: 18269114, 24362816). This variant is not present in population databases (gnomAD no frequency). This premature translational stop signal has been observed in individual(s) with Lynch syndrome (PMID: 21642682). ClinVar contains an entry for this variant (Variation ID: 237166). For these reasons, this variant has been classified as Pathogenic.

Myriad Genetics, Inc.
Classification: Pathogenic for Lynch syndrome 5. Last evaluated: 2023-08-21. Review status: criteria provided, single submitter. Criteria: Myriad Autosomal Dominant, Autosomal Recessive and X-Linked Classification Criteria (2023). Collection method: clinical testing. Allele origin: unknown.
Comment: This variant is considered pathogenic. This variant creates a termination codon and is predicted to result in premature protein truncation.

Ambry Genetics
Classification: Pathogenic for Hereditary cancer-predisposing syndrome. Last evaluated: 2023-06-22. Review status: criteria provided, single submitter. Criteria: Ambry Variant Classification Scheme 2023. Collection method: clinical testing. Allele origin: germline.
Comment: The c.2804_2805delCT pathogenic mutation, located in coding exon 4 of the MSH6 gene, results from a deletion of two nucleotides at positions 2804 and 2805, causing a translational frameshift with a predicted alternate stop codon. This mutation has been reported in a French Lynch/HNPCC family (Bonadona V et al. JAMA 2011 Jun; 305(22):2304-10). In addition to the clinical data presented in the literature, this alteration is expected to result in loss of function by premature protein truncation or nonsense-mediated mRNA decay. As such, this alteration is interpreted as a disease-causing mutation.

Literature cited by the submitters: PubMed 18269114 (cited by Labcorp Genetics (formerly Invitae), Labcorp); PubMed 24362816 (cited by Labcorp Genetics (formerly Invitae), Labcorp); PubMed 21642682 (cited by Labcorp Genetics (formerly Invitae), Labcorp and Ambry Genetics).

NM_000179.3(MSH6):c.2804_2805del (p.Asp934_Ser935insTer)

Gene: MSH6 (mutS homolog 6; plus strand). Cytogenetic location: 2p16.3.
Variant type: Microsatellite.
Coding change: c.2804_2805del on transcript NM_000179.3 (MANE Select); coding-DNA positions 2804 to 2805, 2 bases deleted (CT; older notation c.2804_2805delCT).
Protein change: p.Asp934_Ser935insTer.
Molecular consequence: nonsense.
Genome position (GRCh38, 1-based): chr2:47,800,787-47,800,788, CT deleted; deleting any 2 consecutive bases within chr2:47,800,785-47,800,788 gives the same sequence; the c. name uses the placement nearest the transcript's 3' end. VCF-style (leftmost placement, unchanged base first): chr2-47800784-ACT-A. GRCh37 (hg19) VCF-style: chr2-48027923-ACT-A.
Other names: c.2804_2805delCT (NM_000179.2); c.2414_2415del, p.Asp804_Ser805insTer (NM_001281492.2); c.1898_1899del, p.Asp632_Ser633insTer (NM_001281493.2, NM_001281494.2).
Identifiers: ClinVar variation 237166 (VCV000237166.17), dbSNP rs878853721, ClinGen allele CA10582069.